The following is an entry in ClinVar:

NM_001379110.1(SLC9A6):c.743+3_743+6del

Gene: SLC9A6 (solute carrier family 9 member A6; plus strand). Cytogenetic location: Xq26.3.
Variant type: Deletion.
Coding change: c.743+3_743+6del on transcript NM_001379110.1 (MANE Select); bases 3 to 6 of the intron after coding-DNA position 743, 4 bases deleted (AAGT; older notation c.743+3_743+6delAAGT).
Molecular consequence: splice donor variant.
Genome position (GRCh38, 1-based): chrX:136,002,216-136,002,219, AAGT deleted; deleting any 4 consecutive bases within chrX:136,002,214-136,002,219 gives the same sequence; the c. name uses the placement nearest the transcript's 3' end. VCF-style (leftmost placement, unchanged base first): chrX-136002213-CGTAA-C. GRCh37 (hg19) VCF-style: chrX-135084372-CGTAA-C.
Other names: c.899+3_899+6del (NM_001042537.2); c.803+3_803+6del (NM_006359.3); c.743+3_743+6del (NM_001177651.2); c.647+3_647+6del (NM_001330652.2).
Identifiers: ClinVar variation 1192179 (VCV001192179.21), dbSNP rs2148156632, ClinGen allele CA2499226383.

ClinVar aggregate classification (germline): Pathogenic/Likely pathogenic. Review status: criteria provided, multiple submitters, no conflicts (2 of 4 stars). 3 submissions from 3 submitters: Pathogenic (2); Likely pathogenic (1). Last evaluated 2025-02-24.

Conditions:
Christianson syndrome (MRXSCH). Also called: X-linked mental retardation, syndromic, Christianson type; SLC9A6-Related Syndromic Mental Retardation; INTELLECTUAL DEVELOPMENTAL DISORDER, X-LINKED, SYNDROMIC, CHRISTIANSON TYPE. Identifiers: Orphanet 85278, MedGen C2678194, MONDO:0010278, OMIM 300243.

Submissions (3):

Labcorp Genetics (formerly Invitae), Labcorp
Classification: Pathogenic for Christianson syndrome. Last evaluated: 2025-02-24. Review status: criteria provided, single submitter. Criteria: Invitae Variant Classification Sherloc (09022015). Collection method: clinical testing. Allele origin: germline.
Comment: This sequence change falls in intron 6 of the SLC9A6 gene. It does not directly change the encoded amino acid sequence of the SLC9A6 protein. RNA analysis indicates that this variant induces altered splicing and may result in an absent or altered protein product. This variant is not present in population databases (gnomAD no frequency). This variant has been observed in individual(s) with clinical features of Christianson syndrome (PMID: 32776513). In at least one individual the variant was observed to be de novo. ClinVar contains an entry for this variant (Variation ID: 1192179). Variants that disrupt the consensus splice site are a relatively common cause of aberrant splicing (PMID: 17576681, 9536098). Studies have shown that this variant results in skipping of exon 6, and produces a non-functional protein and/or introduces a premature termination codon (PMID: 32776513). For these reasons, this variant has been classified as Pathogenic.

CeGaT Center for Human Genetics Tuebingen
Classification: Likely pathogenic. Last evaluated: 2024-12-01. Review status: criteria provided, single submitter. Criteria: CeGaT Center For Human Genetics Tuebingen Variant Classification Criteria Version 2. Collection method: clinical testing. Allele origin: germline. Affected: yes. Observed: 2 variant alleles.
Comment: SLC9A6: PS2, PM2, PP3, PS4:Supporting

GeneDx
Classification: Pathogenic. Last evaluated: 2019-02-08. Review status: criteria provided, single submitter. Criteria: GeneDx Variant Classification Process June 2021. Collection method: clinical testing. Allele origin: germline. Affected: yes.
Comment: Not observed in large population cohorts (Lek et al., 2016; McVean et al., 2012; Exome Variant Server); This variant is associated with the following publications: (PMID: 32776513)

Literature cited by the submitters: PubMed 32776513 (cited by Labcorp Genetics (formerly Invitae), Labcorp); PubMed 17576681 (cited by Labcorp Genetics (formerly Invitae), Labcorp); PubMed 9536098 (cited by Labcorp Genetics (formerly Invitae), Labcorp).